The following is an entry in ClinVar:

ClinVar aggregate classification (germline): Uncertain significance. Review status: criteria provided, multiple submitters, no conflicts (2 of 4 stars). 2 submissions from 2 submitters: Uncertain significance (2). Last evaluated 2023-12-20.

Conditions:
Colorectal cancer, hereditary nonpolyposis, type 7. Identifiers: Orphanet 144, MedGen C1858380, MONDO:0013725, OMIM 614385.

Allele frequency attached by ClinVar (database versions not stated): gnomAD exomes below 0.00001; gnomAD 0.00001.
gnomAD v4.1: 4 of 1,613,576 alleles (0.00025%); highest among the groups gnomAD compares: African/African-American, 0.0013%; no homozygotes.

Submissions (2):

Ambry Genetics
Classification: Uncertain significance. Last evaluated: 2023-12-20. Review status: criteria provided, single submitter. Criteria: Ambry Variant Classification Scheme 2023. Collection method: clinical testing. Allele origin: germline.
Comment: The c.4360T>C variant (also known as p.*1454Rext*18), located in coding exon 12 of the MLH3 gene, results from a T to C substitution at nucleotide position 4360, which is the last nucleotide of the MLH3 gene. The stop codon at position 1454 is replaced by arginine, resulting in an elongation of the protein by 18 amino acids. The evidence for this gene-disease relationship is limited; therefore, the clinical significance of this alteration is unclear.

Labcorp Genetics (formerly Invitae), Labcorp
Classification: Uncertain significance for Colorectal cancer, hereditary nonpolyposis, type 7. Last evaluated: 2022-10-30. Review status: criteria provided, single submitter. Criteria: Invitae Variant Classification Sherloc (09022015). Collection method: clinical testing. Allele origin: germline.
Comment: This variant is present in population databases (no rsID available, gnomAD 0.01%). This variant has not been reported in the literature in individuals affected with MLH3-related conditions. ClinVar contains an entry for this variant (Variation ID: 945281). Experimental studies and prediction algorithms are not available or were not evaluated, and the functional significance of this variant is currently unknown. In summary, the available evidence is currently insufficient to determine the role of this variant in disease. Therefore, it has been classified as a Variant of Uncertain Significance. This sequence change disrupts the translational stop signal of the MLH3 mRNA. It is expected to extend the length of the MLH3 protein by 18 additional amino acid residues.

NM_001040108.2(MLH3):c.4360T>C (p.Ter1454Arg)

Gene: MLH3 (mutL homolog 3; minus strand). Cytogenetic location: 14q24.3.
Variant type: single nucleotide variant.
Coding change: c.4360T>C on transcript NM_001040108.2 (MANE Select); coding-DNA position 4360, T replaced by C.
Protein change: p.Ter1454Arg.
Molecular consequence: stop lost.
Genome position (GRCh38, 1-based): chr14:75,017,084, A>G on the plus strand (T>C on the coding strand, the complement: MLH3 is on the minus strand). VCF-style: chr14-75017084-A-G. GRCh37 (hg19) VCF-style: chr14-75483787-A-G.
Other names: *1430R; *1454R; c.4288T>C, p.Ter1430Arg (NM_014381.3).
Identifiers: ClinVar variation 945281 (VCV000945281.10), dbSNP rs1216996898, ClinGen allele CA390417435.